The following is an entry in ClinVar:

ClinVar aggregate classification (germline): Uncertain significance (1 of 4 stars; one submission).

gnomAD v4.1: 14 of 1,609,852 alleles (0.00087%); highest among the groups gnomAD compares: Non-Finnish European, 0.0012%; no homozygotes.

Submission:

Labcorp Genetics (formerly Invitae), Labcorp
Classification: Uncertain significance. Last evaluated: 2024-04-29. Review status: criteria provided, single submitter. Criteria: Invitae Variant Classification Sherloc (09022015). Collection method: clinical testing. Allele origin: germline.
Comment: This sequence change replaces valine, which is neutral and non-polar, with leucine, which is neutral and non-polar, at codon 1608 of the FOCAD protein (p.Val1608Leu). This variant is present in population databases (no rsID available, gnomAD 0.0009%). This variant has not been reported in the literature in individuals affected with FOCAD-related conditions. Algorithms developed to predict the effect of missense changes on protein structure and function output the following: SIFT: "Not Available"; PolyPhen-2: "Not Available"; Align-GVGD: "Not Available". The leucine amino acid residue is found in multiple mammalian species, which suggests that this missense change does not adversely affect protein function. In summary, the available evidence is currently insufficient to determine the role of this variant in disease. Therefore, it has been classified as a Variant of Uncertain Significance.

NM_001375567.1(FOCAD):c.4822G>T (p.Val1608Leu)

Gene: FOCAD (focadhesin; plus strand). Cytogenetic location: 9p21.3.
Variant type: single nucleotide variant.
Coding change: c.4822G>T on transcript NM_001375567.1 (MANE Select); coding-DNA position 4822, G replaced by T.
Protein change: p.Val1608Leu; replaces valine 1608 with leucine.
Molecular consequence: missense variant.
Genome position (GRCh38, 1-based): chr9:20,986,381, G>T. VCF-style: chr9-20986381-G-T. GRCh37 (hg19) VCF-style: chr9-20986380-G-T.
Other names: c.4717G>T, p.Val1573Leu (NM_001375568.1, NM_001375570.1); c.4822G>T, p.Val1608Leu (NM_017794.5); short protein forms V1573L, V1608L.
Identifiers: ClinVar variation 3631673 (VCV003631673.2).